The following is an entry in ClinVar:

ClinVar aggregate classification (germline): Uncertain significance (1 of 4 stars; one submission).

Submission:

Dasa
Classification: Uncertain significance. Last evaluated: 2025-12-30. Review status: criteria provided, single submitter. Criteria: DASA Assertion Criteria. Collection method: clinical testing. Allele origin: germline.
Comment: NM_005000.5(NDUFA5):c.2T>G (p.Met1?) is a start-loss variant predicted to alter the translation initiation codon and impair normal protein translation. This variant is absent from population databases. The currently available literature and clinical evidence are not sufficient to establish a definitive association between this variant and the reported condition. Therefore, this variant is classified as a variant of uncertain significance.

NM_005000.5(NDUFA5):c.2T>G (p.Met1Arg)

Genes: NDUFA5 (NADH:ubiquinone oxidoreductase subunit A5; minus strand), LOC126860167 (BRD4-independent group 4 enhancer GRCh37_chr7:123197145-123198344; plus strand). Cytogenetic location: 7q31.32.
Variant type: single nucleotide variant.
Coding change: c.2T>G on transcript NM_005000.5 (MANE Select); coding-DNA position 2, T replaced by G.
Protein change: p.Met1Arg; changes the start codon (methionine 1).
Molecular consequence: missense variant, initiator codon variant. On other transcripts: 5 prime UTR variant (2), non-coding transcript variant (3), intron variant (1).
Genome position (GRCh38, 1-based): chr7:123,557,794, A>C on the plus strand (T>G on the coding strand, the complement: NDUFA5 is on the minus strand). VCF-style: chr7-123557794-A-C. GRCh37 (hg19) VCF-style: chr7-123197848-A-C.
Other names: c.2T>G, p.Met1Arg (NM_001282419.3, NM_001282422.3); c.-149T>G (NM_001282420.3, NM_001282421.3); c.265-7208T>G (NM_001291304.2); short protein forms M1R.
Identifiers: ClinVar variation 5020749 (VCV005020749.1).